The following is an entry in ClinVar:

ClinVar aggregate classification (germline): Likely pathogenic (1 of 4 stars; one submission).

Conditions:
Polycystic kidney disease 4 (PKD4). Also called: POLYCYSTIC KIDNEY AND HEPATIC DISEASE 1; POLYCYSTIC KIDNEY DISEASE, INFANTILE, TYPE I; POLYCYSTIC KIDNEY DISEASE 4 WITH OR WITHOUT POLYCYSTIC LIVER DISEASE; PKD3; Autosomal Recessive Polycystic Kidney Disease – PKHD1. Identifiers: MedGen C4540575, MONDO:0033004, OMIM 263200.

Submission:

Myriad Genetics, Inc.
Classification: Likely pathogenic for Polycystic kidney disease 4. Last evaluated: 2022-03-17. Review status: criteria provided, single submitter. Criteria: Myriad Women's Health Autosomal Recessive and X-Linked Classification Criteria (2021). Collection method: clinical testing. Allele origin: unknown.
Comment: NM_138694.3(PKHD1):c.5355_5356delCA(F1785Lfs*20) is expected to be pathogenic in the context of autosomal recessive polycystic kidney disease, PKHD1-related. This variant is predicted to lead to an abnormal or absent protein product due to the creation of a premature termination codon in PKHD1, a gene where loss-of-function variants are known to be pathogenic. Please note: this variant was assessed in the context of healthy population screening.

NM_138694.4(PKHD1):c.5355_5356del (p.Phe1785fs)

Gene: PKHD1 (PKHD1 ciliary IPT domain containing fibrocystin/polyductin; minus strand). Cytogenetic location: 6p12.2.
Variant type: Deletion.
Coding change: c.5355_5356del on transcript NM_138694.4 (MANE Select); coding-DNA positions 5355 to 5356, 2 bases deleted (CA; older notation c.5355_5356delCA).
Protein change: p.Phe1785fs; shifts the reading frame from phenylalanine 1785.
Molecular consequence: frameshift variant.
Genome position (GRCh38, 1-based): chr6:52,022,825-52,022,826, TG deleted on the plus strand (CA on the coding strand, the reverse complement: PKHD1 is on the minus strand). VCF-style (leftmost placement, unchanged base first): chr6-52022824-CTG-C. GRCh37 (hg19) VCF-style: chr6-51887622-CTG-C.
Other names: c.5355_5356del, p.Phe1785fs (NM_170724.3); short protein forms F1785fs.
Identifiers: ClinVar variation 1725357 (VCV001725357.2), dbSNP rs2532653399, ClinGen allele CA2580075488.